The following is an entry in ClinVar:

ClinVar aggregate classification (germline): Uncertain significance. Review status: criteria provided, multiple submitters, no conflicts (2 of 4 stars). 2 submissions from 2 submitters: Uncertain significance (2). Last evaluated 2025-01-22.

Submissions (2):

Ambry Genetics
Classification: Uncertain significance. Last evaluated: 2025-01-22. Review status: criteria provided, single submitter. Criteria: Ambry Variant Classification Scheme 2023. Collection method: clinical testing. Allele origin: germline.

Labcorp Genetics (formerly Invitae), Labcorp
Classification: Uncertain significance. Last evaluated: 2024-06-28. Review status: criteria provided, single submitter. Criteria: Invitae Variant Classification Sherloc (09022015). Collection method: clinical testing. Allele origin: germline.
Comment: This sequence change replaces proline, which is neutral and non-polar, with arginine, which is basic and polar, at codon 1416 of the NEXMIF protein (p.Pro1416Arg). This variant is not present in population databases (gnomAD no frequency). This variant has not been reported in the literature in individuals affected with NEXMIF-related conditions. An algorithm developed to predict the effect of missense changes on protein structure and function (PolyPhen-2) suggests that this variant is likely to be tolerated. In summary, the available evidence is currently insufficient to determine the role of this variant in disease. Therefore, it has been classified as a Variant of Uncertain Significance.

NM_001008537.3(NEXMIF):c.4247C>G (p.Pro1416Arg)

Gene: NEXMIF (neurite extension and migration factor; minus strand). Cytogenetic location: Xq13.3.
Variant type: single nucleotide variant.
Coding change: c.4247C>G on transcript NM_001008537.3 (MANE Select); coding-DNA position 4247, C replaced by G.
Protein change: p.Pro1416Arg; replaces proline 1416 with arginine.
Molecular consequence: missense variant.
Genome position (GRCh38, 1-based): chrX:74,740,310, G>C on the plus strand (C>G on the coding strand, the complement: NEXMIF is on the minus strand). VCF-style: chrX-74740310-G-C. GRCh37 (hg19) VCF-style: chrX-73960145-G-C.
Other names: c.4247C>G (NM_001008537.2); short protein forms P1416R.
Identifiers: ClinVar variation 3658083 (VCV003658083.3).